The following is an entry in ClinVar:

ClinVar aggregate classification (germline): Benign. Review status: criteria provided, multiple submitters, no conflicts (2 of 4 stars). 6 submissions from 6 submitters: Benign (5). 1 of the submissions does not count toward it. Last evaluated 2026-09-01.

Conditions:
Gamma-aminobutyric acid transaminase deficiency (GABATD). Also called: GABA aminotransaminase deficiency; GABA transaminase deficiency; Gamma aminobutyrate transaminase deficiency; 4 alpha aminobutyrate transaminase deficiency. Identifiers: Orphanet 2066, MedGen C0342708, MONDO:0013166, OMIM 613163.

Allele frequency attached by ClinVar (database versions not stated): 1000 Genomes Project 0.00399; 1000 Genomes Project 30x 0.00437; gnomAD 0.00708 and 0.00716; TOPMed 0.00720; gnomAD exomes 0.00753 and 0.01048; ExAC 0.00880; ESP Exome Variant Server 0.00885.
gnomAD v4.1: 16,222 of 1,610,344 alleles (1%); highest among the groups gnomAD compares: Non-Finnish European, 1.2%; 115 homozygotes.

Submissions (14):

CeGaT Center for Human Genetics Tuebingen
Classification: Benign. Last evaluated: 2026-09-01. Review status: criteria provided, single submitter. Criteria: CeGaT Center For Human Genetics Tuebingen Variant Classification Criteria Version 2. Collection method: clinical testing. Allele origin: germline. Affected: yes. Observed: 55 variant alleles.
Comment: ABAT: BP4, BS1, BS2

Labcorp Genetics (formerly Invitae), Labcorp
Classification: Benign for Gamma-aminobutyric acid transaminase deficiency. Last evaluated: 2026-02-03. Review status: criteria provided, single submitter. Criteria: Invitae Variant Classification Sherloc (09022015). Collection method: clinical testing. Allele origin: germline.

Athena Diagnostics
Classification: Benign. Last evaluated: 2023-12-29. Review status: criteria provided, single submitter. Criteria: Athena Diagnostics Criteria. Collection method: clinical testing. Allele origin: unknown.

Illumina Laboratory Services, Illumina
Classification: Benign for Gamma-aminobutyric acid transaminase deficiency. Last evaluated: 2018-01-13. Review status: criteria provided, single submitter. Criteria: ICSL Variant Classification Criteria 13 December 2019. Collection method: clinical testing. Allele origin: germline.
Comment: This variant was observed in the ICSL laboratory as part of a predisposition screen in an ostensibly healthy population. It had not been previously curated by ICSL or reported in the Human Gene Mutation Database (HGMD: prior to June 1st, 2018), and was therefore a candidate for classification through an automated scoring system. Utilizing variant allele frequency, disease prevalence and penetrance estimates, and inheritance mode, an automated score was calculated to assess if this variant is too frequent to cause the disease. Based on the score and internal cut-off values, a variant classified as benign is not then subjected to further curation. The score for this variant resulted in a classification of benign for this disease.

Breakthrough Genomics
Classification: Benign. Review status: criteria provided, single submitter. Criteria: ACMG Guidelines, 2015. Collection method: not provided. Allele origin: germline. Inheritance: Autosomal recessive inheritance. Affected: yes.

Mayo Clinic Laboratories, Mayo Clinic
Classification: Likely benign. Last evaluated: 2016-03-14. Review status: no assertion criteria provided. Collection method: clinical testing. Allele origin: unknown. Not counted in ClinVar's aggregate classification.

Dr. Peter K. Rogan Lab, Western University
No classification provided (evidence only). Condition: Familial cancer of breast. Review status: no classification provided. Collection method: in vitro. Allele origin: not applicable. Functional consequence: retained intron. Not counted in ClinVar's aggregate classification.

Dr. Peter K. Rogan Lab, Western University
No classification provided (evidence only). Condition: Acute myeloid leukemia. Review status: no classification provided. Collection method: in vitro. Allele origin: not applicable. Functional consequence: retained intron. Not counted in ClinVar's aggregate classification.

Dr. Peter K. Rogan Lab, Western University
No classification provided (evidence only). Condition: Uterine corpus endometrial carcinoma. Review status: no classification provided. Collection method: in vitro. Allele origin: not applicable. Functional consequence: retained intron. Not counted in ClinVar's aggregate classification.

Dr. Peter K. Rogan Lab, Western University
No classification provided (evidence only). Condition: Uterine corpus endometrial carcinoma. Review status: no classification provided. Collection method: in vitro. Allele origin: not applicable. Functional consequence: retained intron. Not counted in ClinVar's aggregate classification.

Dr. Peter K. Rogan Lab, Western University
No classification provided (evidence only). Condition: Sarcoma. Review status: no classification provided. Collection method: in vitro. Allele origin: not applicable. Functional consequence: retained intron. Not counted in ClinVar's aggregate classification.

Dr. Peter K. Rogan Lab, Western University
No classification provided (evidence only). Condition: Gastric cancer. Review status: no classification provided. Collection method: in vitro. Allele origin: not applicable. Functional consequence: retained intron. Not counted in ClinVar's aggregate classification.

Dr. Peter K. Rogan Lab, Western University
No classification provided (evidence only). Condition: Uterine carcinosarcoma. Review status: no classification provided. Collection method: in vitro. Allele origin: not applicable. Functional consequence: retained intron. Not counted in ClinVar's aggregate classification.

Dr. Peter K. Rogan Lab, Western University
No classification provided (evidence only). Condition: Malignant tumor of esophagus. Review status: no classification provided. Collection method: in vitro. Allele origin: not applicable. Functional consequence: retained intron. Not counted in ClinVar's aggregate classification.

NM_020686.6(ABAT):c.1269+4A>C

Gene: ABAT (4-aminobutyrate aminotransferase; plus strand). Cytogenetic location: 16p13.2.
Variant type: single nucleotide variant.
Coding change: c.1269+4A>C on transcript NM_020686.6 (MANE Select); 4 bases into the intron after coding-DNA position 1269, A replaced by C.
Molecular consequence: intron variant.
Genome position (GRCh38, 1-based): chr16:8,776,494, A>C. VCF-style: chr16-8776494-A-C. GRCh37 (hg19) VCF-style: chr16-8870351-A-C.
Other names: c.1269+4A>C (NM_001386602.1, NM_001386609.1, NM_001386603.1 and 6 more transcripts); c.1365+4A>C (NM_001386615.1); c.1230+4A>C (NM_001386605.1); c.1206+4A>C (NM_001386607.1, NM_001386606.1); c.1176+4A>C (NM_001386608.1); c.1134+4A>C (NM_001386610.1, NM_001386611.1); c.1023+4A>C (NM_001386614.1); c.1071+4A>C (NM_001386612.1, NM_001386613.1).
Identifiers: ClinVar variation 321087 (VCV000321087.52), dbSNP rs183947905, ClinGen allele CA7893475.
Genomic context (GRCh38, chr16:8,776,494, plus strand): 5'-CTAAATAATGCAGCCCATGCCGGGAAGGCCCTGCTCACAGGACTGCTGGACCTCCAGGTA[A>C]CACCCCCTCCCCTGCCCCGCCCCCACCACCCATGGCTCCCCGCAGCAGCCTCCGGGGCAA-3'